The following is an entry in ClinVar:

NM_000051.4(ATM):c.1682A>C (p.Gln561Pro)

Gene: ATM (ATM serine/threonine kinase; plus strand). Cytogenetic location: 11q22.3.
Variant type: single nucleotide variant.
Coding change: c.1682A>C on transcript NM_000051.4 (MANE Select); coding-DNA position 1682, A replaced by C.
Protein change: p.Gln561Pro; replaces glutamine 561 with proline.
Molecular consequence: missense variant.
Genome position (GRCh38, 1-based): chr11:108,251,911, A>C. VCF-style: chr11-108251911-A-C. GRCh37 (hg19) VCF-style: chr11-108122638-A-C.
Other names: c.1682A>C, p.Gln561Pro (NM_001351834.2); short protein forms Q561P.
Identifiers: ClinVar variation 1777932 (VCV001777932.4), dbSNP rs2497269655, ClinGen allele CA382535161.

ClinVar aggregate classification (germline): Uncertain significance. Review status: criteria provided, multiple submitters, no conflicts (2 of 4 stars). 2 submissions from 2 submitters: Uncertain significance (2). Last evaluated 2024-06-07.

Conditions:
Hereditary cancer-predisposing syndrome. Also called: Tumor predisposition; Neoplastic Syndromes, Hereditary; Hereditary Cancer Syndrome; Hereditary neoplastic syndrome. Identifiers: Orphanet 140162, MedGen C0027672, MeSH D009386, MONDO:0015356.
Ataxia-telangiectasia syndrome (AT). Also called: LOUIS-BAR SYNDROME; Cerebello-oculocutaneous telangiectasia; Immunodeficiency with ataxia telangiectasia; Ataxia-telangiectasia, complementation group D; AT, COMPLEMENTATION GROUP C; ATAXIA-TELANGIECTASIA, COMPLEMENTATION GROUP A. Identifiers: Orphanet 100, MedGen C0004135, MONDO:0008840, OMIM 208900.

Submissions (2):

Labcorp Genetics (formerly Invitae), Labcorp
Classification: Uncertain significance for Ataxia-telangiectasia syndrome. Last evaluated: 2024-06-07. Review status: criteria provided, single submitter. Criteria: Invitae Variant Classification Sherloc (09022015). Collection method: clinical testing. Allele origin: germline.
Comment: This sequence change replaces glutamine, which is neutral and polar, with proline, which is neutral and non-polar, at codon 561 of the ATM protein (p.Gln561Pro). This variant is not present in population databases (gnomAD no frequency). This variant has not been reported in the literature in individuals affected with ATM-related conditions. ClinVar contains an entry for this variant (Variation ID: 1777932). Algorithms developed to predict the effect of missense changes on protein structure and function output the following: SIFT: "Not Available"; PolyPhen-2: "Benign"; Align-GVGD: "Not Available". The proline amino acid residue is found in multiple mammalian species, which suggests that this missense change does not adversely affect protein function. In summary, the available evidence is currently insufficient to determine the role of this variant in disease. Therefore, it has been classified as a Variant of Uncertain Significance.

Ambry Genetics
Classification: Uncertain significance for Hereditary cancer-predisposing syndrome. Last evaluated: 2021-11-02. Review status: criteria provided, single submitter. Criteria: Ambry Variant Classification Scheme 2023. Collection method: clinical testing. Allele origin: germline.
Comment: The p.Q561P variant (also known as c.1682A>C), located in coding exon 10 of the ATM gene, results from an A to C substitution at nucleotide position 1682. The glutamine at codon 561 is replaced by proline, an amino acid with similar properties. This amino acid position is not well conserved in available vertebrate species. In addition, this alteration is predicted to be tolerated by in silico analysis. Since supporting evidence is limited at this time, the clinical significance of this alteration remains unclear.